The following is an entry in ClinVar:

NM_001710.6(CFB):c.2164G>C (p.Val722Leu)

Gene: CFB (complement factor B; plus strand). Cytogenetic location: 6p21.33.
Variant type: single nucleotide variant.
Coding change: c.2164G>C on transcript NM_001710.6 (MANE Select); coding-DNA position 2164, G replaced by C.
Protein change: p.Val722Leu; replaces valine 722 with leucine.
Molecular consequence: missense variant.
Genome position (GRCh38, 1-based): chr6:31,951,899, G>C. VCF-style: chr6-31951899-G-C. GRCh37 (hg19) VCF-style: chr6-31919676-G-C.
Other names: short protein forms V722L.
Identifiers: ClinVar variation 2135901 (VCV002135901.4), dbSNP rs775365194, ClinGen allele CA363414222.

ClinVar aggregate classification (germline): Uncertain significance (1 of 4 stars; one submission).

Submission:

Labcorp Genetics (formerly Invitae), Labcorp
Classification: Uncertain significance. Last evaluated: 2022-05-16. Review status: criteria provided, single submitter. Criteria: Invitae Variant Classification Sherloc (09022015). Collection method: clinical testing. Allele origin: germline.
Comment: In summary, the available evidence is currently insufficient to determine the role of this variant in disease. Therefore, it has been classified as a Variant of Uncertain Significance. Algorithms developed to predict the effect of missense changes on protein structure and function (SIFT, PolyPhen-2, Align-GVGD) all suggest that this variant is likely to be tolerated. This variant has not been reported in the literature in individuals affected with CFB-related conditions. This variant is not present in population databases (gnomAD no frequency). This sequence change replaces valine, which is neutral and non-polar, with leucine, which is neutral and non-polar, at codon 722 of the CFB protein (p.Val722Leu).